The following is an entry in ClinVar:

ClinVar aggregate classification (germline): Uncertain significance (1 of 4 stars; one submission).

Allele frequency attached by ClinVar (database versions not stated): TOPMed 0.00001.
gnomAD v4.1: 1 of 1,593,898 alleles (0.000063%); no homozygotes.

Submission:

Labcorp Genetics (formerly Invitae), Labcorp
Classification: Uncertain significance. Last evaluated: 2021-11-05. Review status: criteria provided, single submitter. Criteria: Invitae Variant Classification Sherloc (09022015). Collection method: clinical testing. Allele origin: germline.
Comment: This sequence change replaces alanine, which is neutral and non-polar, with valine, which is neutral and non-polar, at codon 120 of the ASAH1 protein (p.Ala120Val). This variant is not present in population databases (gnomAD no frequency). This variant has not been reported in the literature in individuals affected with ASAH1-related conditions. Algorithms developed to predict the effect of missense changes on protein structure and function are either unavailable or do not agree on the potential impact of this missense change (SIFT: "Deleterious"; PolyPhen-2: "Probably Damaging"; Align-GVGD: "Class C0"). In summary, the available evidence is currently insufficient to determine the role of this variant in disease. Therefore, it has been classified as a Variant of Uncertain Significance.

NM_177924.5(ASAH1):c.359C>T (p.Ala120Val)

Gene: ASAH1 (N-acylsphingosine amidohydrolase 1; minus strand). Cytogenetic location: 8p22.
Variant type: single nucleotide variant.
Coding change: c.359C>T on transcript NM_177924.5 (MANE Select); coding-DNA position 359, C replaced by T.
Protein change: p.Ala120Val; replaces alanine 120 with valine.
Molecular consequence: missense variant.
Genome position (GRCh38, 1-based): chr8:18,067,243, G>A on the plus strand (C>T on the coding strand, the complement: ASAH1 is on the minus strand). VCF-style: chr8-18067243-G-A. GRCh37 (hg19) VCF-style: chr8-17924752-G-A.
Other names: c.341C>T, p.Ala114Val (NM_001127505.3); c.164C>T, p.Ala55Val (NM_001363743.2); c.407C>T, p.Ala136Val (NM_004315.6); short protein forms A136V, A55V, A114V, A120V.
Identifiers: ClinVar variation 1487854 (VCV001487854.3), dbSNP rs1055460356, ClinGen allele CA173144628.